The following is an entry in ClinVar:

NM_001374828.1(ARID1B):c.5126C>T (p.Thr1709Met)

Gene: ARID1B (AT-rich interaction domain 1B; plus strand). Cytogenetic location: 6q25.3.
Variant type: single nucleotide variant.
Coding change: c.5126C>T on transcript NM_001374828.1 (MANE Select); coding-DNA position 5126, C replaced by T.
Protein change: p.Thr1709Met; replaces threonine 1709 with methionine.
Molecular consequence: missense variant.
Genome position (GRCh38, 1-based): chr6:157,201,351, C>T. VCF-style: chr6-157201351-C-T. GRCh37 (hg19) VCF-style: chr6-157522485-C-T.
Other names: c.4877C>T, p.Thr1626Met (NM_001346813.1); c.2627C>T, p.Thr876Met (NM_001363725.2); c.5006C>T, p.Thr1669Met (NM_001371656.1, NM_001374820.1); c.4967C>T, p.Thr1656Met (NM_017519.3); c.4757C>T, p.Thr1586Met (NM_020732.3); c.4544C>T, p.Thr1515Met (NM_175863.2); short protein forms T1656M, T1709M, T876M, T1515M, T1586M, T1626M, T1669M.
Identifiers: ClinVar variation 2073985 (VCV002073985.29), dbSNP rs777745107, ClinGen allele CA4067763.

ClinVar aggregate classification (germline): Likely benign. Review status: criteria provided, multiple submitters, no conflicts (2 of 4 stars). 4 submissions from 4 submitters: Likely benign (3). 1 of the submissions does not count toward it. Last evaluated 2025-03-03.

Conditions:
ARID1B-Related Disorder. Identifiers: MedGen CN381337.

Allele frequency attached by ClinVar (database versions not stated): gnomAD 0.00001; TOPMed 0.00004; ExAC 0.00007.
gnomAD v4.1: 65 of 1,613,284 alleles (0.004%); highest among the groups gnomAD compares: Middle Eastern, 0.016%; no homozygotes.

Submissions (4):

Labcorp Genetics (formerly Invitae), Labcorp
Classification: Likely benign. Last evaluated: 2025-03-03. Review status: criteria provided, single submitter. Criteria: Invitae Variant Classification Sherloc (09022015). Collection method: clinical testing. Allele origin: germline.

Blueprint Genetics
Classification: Likely benign. Last evaluated: 2024-11-13. Review status: criteria provided, single submitter. Criteria: ACMG Guidelines, 2015. Collection method: clinical testing. Allele origin: germline.

CeGaT Center for Human Genetics Tuebingen
Classification: Likely benign. Last evaluated: 2024-10-01. Review status: criteria provided, single submitter. Criteria: CeGaT Center For Human Genetics Tuebingen Variant Classification Criteria Version 2. Collection method: clinical testing. Allele origin: germline. Affected: yes. Observed: 4 variant alleles.
Comment: ARID1B: BP4, BS2

PreventionGenetics, part of Exact Sciences
Classification: Likely benign for ARID1B-related condition. Last evaluated: 2024-05-02. Review status: no assertion criteria provided. Collection method: clinical testing. Allele origin: germline. Not counted in ClinVar's aggregate classification.
Comment: This variant is classified as likely benign based on ACMG/AMP sequence variant interpretation guidelines (Richards et al. 2015 PMID: 25741868, with internal and published modifications).